The following is an entry in ClinVar:

ClinVar aggregate classification (germline): Likely pathogenic (1 of 4 stars; one submission).

Submission:

Labcorp Genetics (formerly Invitae), Labcorp
Classification: Likely pathogenic. Last evaluated: 2024-05-01. Review status: criteria provided, single submitter. Criteria: Invitae Variant Classification Sherloc (09022015). Collection method: clinical testing. Allele origin: germline.
Comment: This sequence change affects an acceptor splice site in intron 6 of the MYO5B gene. It is expected to disrupt RNA splicing. Variants that disrupt the donor or acceptor splice site typically lead to a loss of protein function (PMID: 16199547), and loss-of-function variants in MYO5B are known to be pathogenic (PMID: 18724368, 20186687). This variant is not present in population databases (gnomAD no frequency). This variant has not been reported in the literature in individuals affected with MYO5B-related conditions. Algorithms developed to predict the effect of sequence changes on RNA splicing suggest that this variant may disrupt the consensus splice site. In summary, the currently available evidence indicates that the variant is pathogenic, but additional data are needed to prove that conclusively. Therefore, this variant has been classified as Likely Pathogenic.

Literature cited by the submitters: PubMed 16199547; PubMed 18724368; PubMed 20186687.

NM_001080467.3(MYO5B):c.757-2A>T

Gene: MYO5B (myosin VB; minus strand). Cytogenetic location: 18q21.1.
Variant type: single nucleotide variant.
Coding change: c.757-2A>T on transcript NM_001080467.3 (MANE Select); the canonical splice acceptor site of the intron before coding-DNA position 757, A replaced by T.
Molecular consequence: splice acceptor variant.
Genome position (GRCh38, 1-based): chr18:49,990,522, T>A on the plus strand (A>T on the coding strand, the complement: MYO5B is on the minus strand). VCF-style: chr18-49990522-T-A. GRCh37 (hg19) VCF-style: chr18-47516892-T-A.
Identifiers: ClinVar variation 3648709 (VCV003648709.2).
Genomic context (GRCh38, chr18:49,990,522, plus strand): 5'-GGAAGACCGGCAGCAGCACAGAGCTGGTAAAAGATGTGGTAATTCCTCTCATCATCTGCC[T>A]GGAGGAGGAAGAAGTGAAGCAGTTTTAGGGCAGTGACCTCTAACATCGTTCCCTCTGCCA-3'